The following is an entry in ClinVar:

NM_003108.4(SOX11):c.46del (p.Arg16fs)

Gene: SOX11 (SRY-box transcription factor 11; plus strand). Cytogenetic location: 2p25.2.
Variant type: Deletion.
Coding change: c.46del on transcript NM_003108.4 (MANE Select); coding-DNA position 46, one base deleted (C; older notation c.46delC).
Protein change: p.Arg16fs; shifts the reading frame from arginine 16.
Molecular consequence: frameshift variant.
Genome position (GRCh38, 1-based): chr2:5,692,767, C deleted; the last of 4 consecutive C bases (chr2:5,692,764-5,692,767); deleting any one gives the same sequence. VCF-style (leftmost placement, unchanged base first): chr2-5692763-GC-G. GRCh37 (hg19) VCF-style: chr2-5832895-GC-G.
Other names: short protein forms R16fs.
Identifiers: ClinVar variation 4850794 (VCV004850794.1).

ClinVar aggregate classification (germline): Likely pathogenic (1 of 4 stars; one submission).

Conditions:
Intellectual developmental disorder with microcephaly and with or without ocular malformations or hypogonadotropic hypogonadism. Also called: Intellectual disability, autosomal dominant 27; Coffin-Siris Syndrome 9. Identifiers: Orphanet 1465, MedGen C4014528, MONDO:0014376, OMIM 615866.

Submission:

Variantyx, Inc.
Classification: Likely pathogenic for Intellectual developmental disorder with microcephaly and with or without ocular malformations or hypogonadotropic hypogonadism. Last evaluated: 2025-11-26. Review status: criteria provided, single submitter. Criteria: Variantyx Assertion Criteria 2022. Collection method: clinical testing. Allele origin: germline. Inheritance: Autosomal dominant inheritance. Affected: yes.
Comment: This is a frameshift variant in the SOX11 gene (OMIM: 600898). Pathogenic variants in this gene have been associated with autosomal dominant intellectual developmental disorder with microcephaly and with or without ocular malformations or hypogonadotropic hypogonadism. This variant introduces a premature termination codon in exon 1 out of 1 and is expected to result in loss of function, which is a known disease mechanism for SOX11 in this disorder (PMID: 18992374, 26543203, 24886874, 35341651) (PVS1). This variant is absent from control populations (PM2) and it has not been reported in individuals with SOX11-related disorders in the databases available for review. Based on the current evidence, this variant is classified as likely pathogenic for autosomal dominant intellectual developmental disorder with microcephaly and with or without ocular malformations or hypogonadotropic hypogonadism.

Literature cited by the submitters: PubMed 18992374; PubMed 26543203; PubMed 24886874; PubMed 35341651.